The following is an entry in ClinVar:

ClinVar aggregate classification (germline): Likely benign. Review status: criteria provided, multiple submitters, no conflicts (2 of 4 stars). 5 submissions from 5 submitters: Likely benign (5). Last evaluated 2025-07-17.

Conditions:
Charcot-Marie-Tooth disease type 4. Also called: Charcot-Marie-Tooth disease, type IV; Charcot-Marie-Tooth, Type 4. Identifiers: Orphanet 64749, MedGen C4082197, MONDO:0018995.
PRX-related disorder. Also called: PRX-Related Disorders; PRX-related condition.

Allele frequency attached by ClinVar (database versions not stated): 1000 Genomes Project 30x 0.00016; ExAC 0.00019; 1000 Genomes Project 0.00020; ESP Exome Variant Server 0.00031; TOPMed 0.00032; gnomAD 0.00034.
gnomAD v4.1: 125 of 1,600,118 alleles (0.0078%); highest among the groups gnomAD compares: African/African-American, 0.14%; no homozygotes.

Submissions (5):

ARUP Laboratories, Molecular Genetics and Genomics, ARUP Laboratories
Classification: Likely benign. Last evaluated: 2025-07-17. Review status: criteria provided, single submitter. Criteria: ARUP Molecular Germline Variant Investigation Process 2024. Collection method: clinical testing. Allele origin: germline.

PreventionGenetics, part of Exact Sciences
Classification: Likely benign for PRX-related condition. Last evaluated: 2025-07-16. Review status: criteria provided, single submitter. Criteria: ACMG Guidelines, 2015. Collection method: clinical testing. Allele origin: germline.
Comment: This variant is classified as likely benign based on ACMG/AMP sequence variant interpretation guidelines (Richards et al. 2015 PMID: 25741868, with internal and published modifications).

Labcorp Genetics (formerly Invitae), Labcorp
Classification: Likely benign for Charcot-Marie-Tooth disease type 4. Last evaluated: 2025-04-01. Review status: criteria provided, single submitter. Criteria: Invitae Variant Classification Sherloc (09022015). Collection method: clinical testing. Allele origin: germline.

Mayo Clinic Laboratories, Mayo Clinic
Classification: Likely benign. Last evaluated: 2025-02-07. Review status: criteria provided, single submitter. Criteria: ACMG Guidelines, 2015. Collection method: clinical testing. Allele origin: germline. Observed: 1 variant allele.
Comment: BP4, BP7

Blueprint Genetics
Classification: Likely benign. Last evaluated: 2024-03-04. Review status: criteria provided, single submitter. Criteria: ACMG Guidelines, 2015. Collection method: clinical testing. Allele origin: germline.

NM_181882.3(PRX):c.3960C>T (p.Ala1320=)

Gene: PRX (periaxin; minus strand). Cytogenetic location: 19q13.2.
Variant type: single nucleotide variant.
Coding change: c.3960C>T on transcript NM_181882.3 (MANE Select); coding-DNA position 3960, C replaced by T.
Protein change: p.Ala1320=; no amino-acid change (alanine 1320 retained).
Molecular consequence: synonymous variant. On other transcripts: 3 prime UTR variant (1).
Genome position (GRCh38, 1-based): chr19:40,394,392, G>A on the plus strand (C>T on the coding strand, the complement: PRX is on the minus strand). VCF-style: chr19-40394392-G-A. GRCh37 (hg19) VCF-style: chr19-40900299-G-A.
Other names: p.Ala1320=; c.3960C>T (NM_181882.2); c.*4165C>T (NM_020956.2).
Identifiers: ClinVar variation 1150669 (VCV001150669.13), dbSNP rs149626915, ClinGen allele CA9443729.